The following is an entry in ClinVar:

NM_001127217.3(SMAD9):c.136AAG[3] (p.Lys49del)

Gene: SMAD9 (SMAD family member 9; minus strand). Cytogenetic location: 13q13.3.
Variant type: Microsatellite.
Coding change: c.136AAG[3] on transcript NM_001127217.3 (MANE Select); three copies in a row of the 3-base unit AAG starting at c.136; the reference has four copies in a row; one copy, 3 bases deleted.
Protein change: p.Lys49del; deletes lysine 49.
Genome position (GRCh38, 1-based): chr13:36,879,543-36,879,545, CTT deleted on the plus strand (AAG on the coding strand, the reverse complement: SMAD9 is on the minus strand); deleting any 3 consecutive bases within chr13:36,879,543-36,879,554 gives the same sequence; the position shown is the placement nearest the transcript's 3' end. VCF-style (leftmost placement, unchanged base first): chr13-36879542-CCTT-C. GRCh37 (hg19) VCF-style: chr13-37453679-CCTT-C.
Other names: c.136AAG[3], p.Lys49del (NM_001378621.1, NM_005905.6); short protein forms K49del.
Identifiers: ClinVar variation 3650283 (VCV003650283.2).

ClinVar aggregate classification (germline): Uncertain significance (1 of 4 stars; one submission).

Conditions:
Pulmonary hypertension, primary, 2. Identifiers: Orphanet 422, MedGen C3888002, MONDO:0014134, OMIM 615342.

Submission:

Labcorp Genetics (formerly Invitae), Labcorp
Classification: Uncertain significance for Pulmonary hypertension, primary, 2. Last evaluated: 2024-07-25. Review status: criteria provided, single submitter. Criteria: Invitae Variant Classification Sherloc (09022015). Collection method: clinical testing. Allele origin: germline.
Comment: This variant, c.145_147del, results in the deletion of 1 amino acid(s) of the SMAD9 protein (p.Lys49del), but otherwise preserves the integrity of the reading frame. This variant is present in population databases (rs751217637, gnomAD 0.02%). This variant has not been reported in the literature in individuals affected with SMAD9-related conditions. Experimental studies and prediction algorithms are not available or were not evaluated, and the functional significance of this variant is currently unknown. In summary, the available evidence is currently insufficient to determine the role of this variant in disease. Therefore, it has been classified as a Variant of Uncertain Significance.